The following is an entry in ClinVar:

ClinVar aggregate classification (germline): Uncertain significance. Review status: criteria provided, multiple submitters, no conflicts (2 of 4 stars). 2 submissions from 2 submitters: Uncertain significance (2). Last evaluated 2024-10-30.

gnomAD v4.1: 19 of 1,614,100 alleles (0.0012%); highest among the groups gnomAD compares: Non-Finnish European, 0.0014%; no homozygotes.

Submissions (2):

Labcorp Genetics (formerly Invitae), Labcorp
Classification: Uncertain significance. Last evaluated: 2024-10-30. Review status: criteria provided, single submitter. Criteria: Invitae Variant Classification Sherloc (09022015). Collection method: clinical testing. Allele origin: germline.
Comment: This sequence change replaces leucine, which is neutral and non-polar, with phenylalanine, which is neutral and non-polar, at codon 618 of the COQ8A protein (p.Leu618Phe). This variant is present in population databases (rs757723063, gnomAD 0.004%). This variant has not been reported in the literature in individuals affected with COQ8A-related conditions. Invitae Evidence Modeling of protein sequence and biophysical properties (such as structural, functional, and spatial information, amino acid conservation, physicochemical variation, residue mobility, and thermodynamic stability) indicates that this missense variant is expected to disrupt COQ8A protein function with a positive predictive value of 80%. In summary, the available evidence is currently insufficient to determine the role of this variant in disease. Therefore, it has been classified as a Variant of Uncertain Significance.

GeneDx
Classification: Uncertain significance. Last evaluated: 2024-04-10. Review status: criteria provided, single submitter. Criteria: GeneDx Variant Classification Process June 2021. Collection method: clinical testing. Allele origin: germline. Affected: yes.
Comment: Not observed at significant frequency in large population cohorts (gnomAD); In silico analysis supports that this missense variant has a deleterious effect on protein structure/function; Has not been previously published as pathogenic or benign to our knowledge

NM_020247.5(COQ8A):c.1852C>T (p.Leu618Phe)

Gene: COQ8A (coenzyme Q8A; plus strand). Cytogenetic location: 1q42.13.
Variant type: single nucleotide variant.
Coding change: c.1852C>T on transcript NM_020247.5 (MANE Select); coding-DNA position 1852, C replaced by T.
Protein change: p.Leu618Phe; replaces leucine 618 with phenylalanine.
Molecular consequence: missense variant.
Genome position (GRCh38, 1-based): chr1:226,986,645, C>T. VCF-style: chr1-226986645-C-T. GRCh37 (hg19) VCF-style: chr1-227174346-C-T.
Other names: short protein forms L618F.
Identifiers: ClinVar variation 3372304 (VCV003372304.3).